The following is an entry in ClinVar:

NM_001211.6(BUB1B):c.1979A>G (p.Tyr660Cys)

Gene: BUB1B (BUB1 mitotic checkpoint serine/threonine kinase B; plus strand). Cytogenetic location: 15q15.1.
Variant type: single nucleotide variant.
Coding change: c.1979A>G on transcript NM_001211.6 (MANE Select); coding-DNA position 1979, A replaced by G.
Protein change: p.Tyr660Cys; replaces tyrosine 660 with cysteine.
Molecular consequence: missense variant.
Genome position (GRCh38, 1-based): chr15:40,206,428, A>G. VCF-style: chr15-40206428-A-G. GRCh37 (hg19) VCF-style: chr15-40498629-A-G.
Other names: short protein forms Y660C.
Identifiers: ClinVar variation 533907 (VCV000533907.11), dbSNP rs756309201, ClinGen allele CA268798175.

ClinVar aggregate classification (germline): Uncertain significance. Review status: criteria provided, multiple submitters, no conflicts (2 of 4 stars). 2 submissions from 2 submitters: Uncertain significance (2). Last evaluated 2023-12-17.

Conditions:
Inborn genetic diseases. Identifiers: MedGen C0950123, MeSH D030342.
Mosaic variegated aneuploidy syndrome 1 (MVA1). Also called: Warburton-Anyane-Yeboa syndrome. Identifiers: Orphanet 1052, MedGen C1850343, MONDO:0009759, OMIM 257300.

Allele frequency attached by ClinVar (database versions not stated): gnomAD exomes below 0.00001; TOPMed below 0.00001; gnomAD 0.00001.
gnomAD v4.1: 28 of 1,614,104 alleles (0.0017%); highest among the groups gnomAD compares: Non-Finnish European, 0.0023%; no homozygotes.

Submissions (2):

Ambry Genetics
Classification: Uncertain significance for Inborn genetic diseases. Last evaluated: 2023-12-17. Review status: criteria provided, single submitter. Criteria: Ambry Variant Classification Scheme 2023. Collection method: clinical testing. Allele origin: germline.

Labcorp Genetics (formerly Invitae), Labcorp
Classification: Uncertain significance for Mosaic variegated aneuploidy syndrome 1. Last evaluated: 2022-12-22. Review status: criteria provided, single submitter. Criteria: Invitae Variant Classification Sherloc (09022015). Collection method: clinical testing. Allele origin: germline.
Comment: ClinVar contains an entry for this variant (Variation ID: 533907). In summary, the available evidence is currently insufficient to determine the role of this variant in disease. Therefore, it has been classified as a Variant of Uncertain Significance. Algorithms developed to predict the effect of missense changes on protein structure and function are either unavailable or do not agree on the potential impact of this missense change (SIFT: "Tolerated"; PolyPhen-2: "Probably Damaging"; Align-GVGD: "Class C0"). This variant has not been reported in the literature in individuals affected with BUB1B-related conditions. This variant is present in population databases (rs756309201, gnomAD 0.007%). This sequence change replaces tyrosine, which is neutral and polar, with cysteine, which is neutral and slightly polar, at codon 660 of the BUB1B protein (p.Tyr660Cys).